The following is an entry in ClinVar:

ClinVar aggregate classification (germline): Pathogenic (1 of 4 stars; one submission).

Conditions:
Autosomal recessive nonsyndromic hearing loss 4 (DFNB4). Also called: Deafness, autosomal recessive 4; FOXI1-Related Pendred Syndrome; KCNJ10-Related Pendred Syndrome; DEAFNESS, AUTOSOMAL RECESSIVE 4, WITH ENLARGED VESTIBULAR AQUEDUCT, DIGENIC; NEUROSENSORY NONSYNDROMIC RECESSIVE DEAFNESS 4; Nonsyndromic enlarged vestibular aqueduct (NSEVA). Identifiers: Orphanet 90636, MedGen C3538946, MONDO:0010933, OMIM 600791.

Submission:

Institute of Rare Diseases, West China Hospital, Sichuan University
Classification: Pathogenic for Autosomal recessive nonsyndromic hearing loss 4. Last evaluated: 2025-01-09. Review status: criteria provided, single submitter. Criteria: ClinGen HL ACMG Specifications v1. Collection method: research. Allele origin: germline. Affected: yes.
Comment: PVS1;PM3;PP4;PM2_Supporting

NM_000441.2(SLC26A4):c.1264-1G>T

Gene: SLC26A4 (solute carrier family 26 member 4; plus strand). Cytogenetic location: 7q22.3.
Variant type: single nucleotide variant.
Coding change: c.1264-1G>T on transcript NM_000441.2 (MANE Select); the canonical splice acceptor site of the intron before coding-DNA position 1264, G replaced by T.
Molecular consequence: splice acceptor variant.
Genome position (GRCh38, 1-based): chr7:107,694,402, G>T. VCF-style: chr7-107694402-G-T. GRCh37 (hg19) VCF-style: chr7-107334847-G-T.
Identifiers: ClinVar variation 3601734 (VCV003601734.1).